The following is an entry in ClinVar:

NM_001020658.2(PUM1):c.2637G>T (p.Gln879His)

Genes: PUM1 (pumilio RNA binding family member 1; minus strand), LOC126805680 (BRD4-independent group 4 enhancer GRCh37_chr1:31424624-31425823; plus strand). Cytogenetic location: 1p35.2.
Variant type: single nucleotide variant.
Coding change: c.2637G>T on transcript NM_001020658.2 (MANE Select); coding-DNA position 2637, G replaced by T.
Protein change: p.Gln879His; replaces glutamine 879 with histidine.
Molecular consequence: missense variant.
Genome position (GRCh38, 1-based): chr1:30,952,318, C>A on the plus strand (G>T on the coding strand, the complement: PUM1 is on the minus strand). VCF-style: chr1-30952318-C-A. GRCh37 (hg19) VCF-style: chr1-31425165-C-A.
Other names: c.2637G>T, p.Gln879His (NM_014676.3); short protein forms Q879H.
Identifiers: ClinVar variation 2499190 (VCV002499190.1), dbSNP rs2521431454, ClinGen allele CA339563940.

ClinVar aggregate classification (germline): Uncertain significance (1 of 4 stars; one submission).

Submission:

GeneDx
Classification: Uncertain significance. Last evaluated: 2022-10-13. Review status: criteria provided, single submitter. Criteria: GeneDx Variant Classification Process June 2021. Collection method: clinical testing. Allele origin: germline. Affected: yes.
Comment: Not observed at significant frequency in large population cohorts (gnomAD); In silico analysis supports that this missense variant has a deleterious effect on protein structure/function; Has not been previously published as pathogenic or benign to our knowledge